The following is an entry in ClinVar:

NM_003105.6(SORL1):c.4896C>T (p.Leu1632=)

Gene: SORL1 (sortilin related receptor 1; plus strand). Cytogenetic location: 11q24.1.
Variant type: single nucleotide variant.
Coding change: c.4896C>T on transcript NM_003105.6 (MANE Select); coding-DNA position 4896, C replaced by T.
Protein change: p.Leu1632=; no amino-acid change (leucine 1632 retained).
Molecular consequence: synonymous variant.
Genome position (GRCh38, 1-based): chr11:121,605,519, C>T. VCF-style: chr11-121605519-C-T. GRCh37 (hg19) VCF-style: chr11-121476228-C-T.
Identifiers: ClinVar variation 4692708 (VCV004692708.1).
Genomic context (GRCh38, chr11:121,605,519, plus strand): 5'-TGTATTAAAAGTCTTGAAACCAGATACCACGTATCAGGTTAAAGTACAGGTTCAGTGTCT[C>T]AGCAAGGCACACAACACCAATGACTTTGTGACCCTGAGGACCCCAGAGGGATGTAAGTGT-3'
Protein context (NP_003096.2, residues 1622-1642): TYQVKVQVQC[Leu1632=]SKAHNTNDFV

ClinVar aggregate classification (germline): Uncertain significance (1 of 4 stars; one submission).

gnomAD v4.1: 2 of 1,614,150 alleles (0.00012%); highest among the groups gnomAD compares: Non-Finnish European, 0.00017%; no homozygotes.

Submission:

Labcorp Genetics (formerly Invitae), Labcorp
Classification: Uncertain significance. Last evaluated: 2025-03-19. Review status: criteria provided, single submitter. Criteria: Invitae Variant Classification Sherloc (09022015). Collection method: clinical testing. Allele origin: germline.
Comment: This sequence change affects codon 1632 of the SORL1 mRNA. It is a 'silent' change, meaning that it does not change the encoded amino acid sequence of the SORL1 protein. This variant is not present in population databases (gnomAD no frequency). This variant has not been reported in the literature in individuals affected with SORL1-related conditions. Algorithms developed to predict the effect of sequence changes on RNA splicing suggest that this variant may disrupt the consensus splice site. In summary, the available evidence is currently insufficient to determine the role of this variant in disease. Therefore, it has been classified as a Variant of Uncertain Significance.